The following is an entry in ClinVar:

ClinVar aggregate classification (germline): Uncertain significance. Review status: criteria provided, multiple submitters, no conflicts (2 of 4 stars). 2 submissions from 2 submitters: Uncertain significance (2). Last evaluated 2024-03-11.

Allele frequency attached by ClinVar (database versions not stated): gnomAD 0.00011; TOPMed 0.00014; ExAC 0.00016; ESP Exome Variant Server 0.00023.
gnomAD v4.1: 301 of 1,605,666 alleles (0.019%); highest among the groups gnomAD compares: Non-Finnish European, 0.024%; no homozygotes.

Submissions (2):

Blueprint Genetics
Classification: Uncertain significance. Last evaluated: 2024-03-11. Review status: criteria provided, single submitter. Criteria: ACMG Guidelines, 2015. Collection method: clinical testing. Allele origin: germline.

Labcorp Genetics (formerly Invitae), Labcorp
Classification: Uncertain significance. Last evaluated: 2022-04-23. Review status: criteria provided, single submitter. Criteria: Invitae Variant Classification Sherloc (09022015). Collection method: clinical testing. Allele origin: germline.
Comment: This sequence change replaces glutamine, which is neutral and polar, with histidine, which is basic and polar, at codon 63 of the NUP205 protein (p.Gln63His). This variant is present in population databases (rs150567613, gnomAD 0.03%). This variant has not been reported in the literature in individuals affected with NUP205-related conditions. Algorithms developed to predict the effect of missense changes on protein structure and function (SIFT, PolyPhen-2, Align-GVGD) all suggest that this variant is likely to be tolerated. In summary, the available evidence is currently insufficient to determine the role of this variant in disease. Therefore, it has been classified as a Variant of Uncertain Significance.

NM_015135.3(NUP205):c.189G>C (p.Gln63His)

Gene: NUP205 (nucleoporin 205; plus strand). Cytogenetic location: 7q33.
Variant type: single nucleotide variant.
Coding change: c.189G>C on transcript NM_015135.3 (MANE Select); coding-DNA position 189, G replaced by C.
Protein change: p.Gln63His; replaces glutamine 63 with histidine.
Molecular consequence: missense variant. On other transcripts: 5 prime UTR variant (1).
Genome position (GRCh38, 1-based): chr7:135,573,671, G>C. VCF-style: chr7-135573671-G-C. GRCh37 (hg19) VCF-style: chr7-135258419-G-C.
Other names: c.-897G>C (NM_001329434.2); short protein forms Q63H.
Identifiers: ClinVar variation 2141388 (VCV002141388.2), dbSNP rs150567613, ClinGen allele CA4497791.